The following is an entry in ClinVar:

NM_000038.6(APC):c.8356T>A (p.Tyr2786Asn)

Gene: APC (APC regulator of Wnt signaling pathway; plus strand). Cytogenetic location: 5q22.2.
Variant type: single nucleotide variant.
Coding change: c.8356T>A on transcript NM_000038.6 (MANE Select); coding-DNA position 8356, T replaced by A.
Protein change: p.Tyr2786Asn; replaces tyrosine 2786 with asparagine.
Molecular consequence: missense variant. On other transcripts: non-coding transcript variant (2).
Genome position (GRCh38, 1-based): chr5:112,843,950, T>A. VCF-style: chr5-112843950-T-A. GRCh37 (hg19) VCF-style: chr5-112179647-T-A.
Other names: c.8326T>A, p.Tyr2776Asn (NM_001407452.1); c.8179T>A, p.Tyr2727Asn (NM_001407453.1, NM_001354901.2); c.8107T>A, p.Tyr2703Asn (NM_001407454.1, NM_001407455.1, NM_001407456.1 and 1 more transcripts); c.8053T>A, p.Tyr2685Asn (NM_001407458.1, NM_001407459.1, NM_001407460.1 and 1 more transcripts); c.7969T>A, p.Tyr2657Asn (NM_001407467.1, NM_001407469.1); c.7507T>A, p.Tyr2503Asn (NM_001407470.1, NM_001354906.2); c.7204T>A, p.Tyr2402Asn (NM_001407471.1, NM_001407472.1); c.8356T>A, p.Tyr2786Asn (NM_001127510.3, NM_001354895.2, NM_001407450.1); and 11 more; short protein forms Y2660N, Y2703N, Y2761N, Y2776N, Y2779N, Y2804N, Y2402N, Y2626N.
Identifiers: ClinVar variation 5024627 (VCV005024627.1).

ClinVar aggregate classification (germline): Uncertain significance (1 of 4 stars; one submission).

Conditions:
Hereditary cancer-predisposing syndrome. Also called: Neoplastic Syndromes, Hereditary; Tumor predisposition; Hereditary neoplastic syndrome; Hereditary Cancer Syndrome. Identifiers: Orphanet 140162, MedGen C0027672, MeSH D009386, MONDO:0015356.

Submission:

Ambry Genetics
Classification: Uncertain significance for Hereditary cancer-predisposing syndrome. Last evaluated: 2026-06-18. Review status: criteria provided, single submitter. Criteria: Ambry Variant Classification Scheme 2023. Collection method: clinical testing. Allele origin: germline.
Comment: The p.Y2786N variant (also known as c.8356T>A), located in coding exon 15 of the APC gene, results from a T to A substitution at nucleotide position 8356. The tyrosine at codon 2786 is replaced by asparagine, an amino acid with dissimilar properties. This amino acid position is conserved. In addition, in silico predictors for this gene do not accurately predict pathogenicity. Based on the available evidence, the clinical significance of this variant remains unclear.